The following is an entry in ClinVar:

NM_024652.6(LRRK1):c.3295C>T (p.Leu1099Phe)

Genes: LRRK1 (leucine rich repeat kinase 1; plus strand), LRRK1-AS1 (LRRK1 antisense RNA 1; minus strand). Cytogenetic location: 15q26.3.
Variant type: single nucleotide variant.
Coding change: c.3295C>T on transcript NM_024652.6 (MANE Select); coding-DNA position 3295, C replaced by T.
Protein change: p.Leu1099Phe; replaces leucine 1099 with phenylalanine.
Molecular consequence: missense variant.
Genome position (GRCh38, 1-based): chr15:101,048,653, C>T. VCF-style: chr15-101048653-C-T. GRCh37 (hg19) VCF-style: chr15-101588858-C-T.
Other names: short protein forms L1099F.
Identifiers: ClinVar variation 2051031 (VCV002051031.4), dbSNP rs200404538, ClinGen allele CA7761463.

ClinVar aggregate classification (germline): Uncertain significance. Review status: criteria provided, multiple submitters, no conflicts (2 of 4 stars). 2 submissions from 2 submitters: Uncertain significance (2). Last evaluated 2025-09-29.

Conditions:
Inborn genetic diseases. Identifiers: MedGen C0950123, MeSH D030342.

Allele frequency attached by ClinVar (database versions not stated): ExAC 0.00009; gnomAD 0.00026; 1000 Genomes Project 30x 0.00031; ESP Exome Variant Server 0.00032; 1000 Genomes Project 0.00040.
gnomAD v4.1: 78 of 1,512,726 alleles (0.0052%); highest among the groups gnomAD compares: African/African-American, 0.1%; no homozygotes.

Submissions (2):

Labcorp Genetics (formerly Invitae), Labcorp
Classification: Uncertain significance. Last evaluated: 2025-09-29. Review status: criteria provided, single submitter. Criteria: Invitae Variant Classification Sherloc (09022015). Collection method: clinical testing. Allele origin: germline.
Comment: This sequence change replaces leucine, which is neutral and non-polar, with phenylalanine, which is neutral and non-polar, at codon 1099 of the LRRK1 protein (p.Leu1099Phe). This variant is present in population databases (rs200404538, gnomAD 0.1%). This variant has not been reported in the literature in individuals affected with LRRK1-related conditions. ClinVar contains an entry for this variant (Variation ID: 2051031). An algorithm developed to predict the effect of missense changes on protein structure and function (PolyPhen-2) suggests that this variant is likely to be disruptive. In summary, the available evidence is currently insufficient to determine the role of this variant in disease. Therefore, it has been classified as a Variant of Uncertain Significance.

Ambry Genetics
Classification: Uncertain significance for Inborn genetic diseases. Last evaluated: 2021-09-16. Review status: criteria provided, single submitter. Criteria: Ambry Variant Classification Scheme 2023. Collection method: clinical testing. Allele origin: germline.